The following is an entry in ClinVar:

ClinVar aggregate classification (germline): Uncertain significance. Review status: criteria provided, single submitter (1 of 4 stars). 2 submissions from 2 submitters: Uncertain significance (1). 1 of the submissions does not count toward it. Last evaluated 2025-11-02.

Conditions:
Early-infantile DEE. Also called: Early infantile epileptic encephalopathy; Early infantile epileptic encephalopathy with suppression bursts; Ohtahara syndrome. Identifiers: Orphanet 1934, MedGen C0393706, MONDO:0800491.
Severe myoclonic epilepsy in infancy (DRVT). Also called: SEVERE MYOCLONIC EPILEPSY OF INFANCY; DEVELOPMENTAL AND EPILEPTIC ENCEPHALOPATHY 6A; Severe Myoclonic Epilepsy in Infancy (SMEI); Dravet syndrome; Epileptic encephalopathy, early infantile, 6 (Dravet syndrome). Identifiers: Orphanet 33069, MedGen C0751122, MONDO:0100135, OMIM 607208.

Allele frequency attached by ClinVar (database versions not stated): gnomAD exomes below 0.00001; gnomAD 0.00001; TOPMed 0.00001.
gnomAD v4.1: 3 of 1,614,072 alleles (0.00019%); highest among the groups gnomAD compares: Admixed American, 0.0017%; no homozygotes.

Submissions (2):

Labcorp Genetics (formerly Invitae), Labcorp
Classification: Uncertain significance for Early-infantile DEE. Last evaluated: 2025-11-02. Review status: criteria provided, single submitter. Criteria: Invitae Variant Classification Sherloc (09022015). Collection method: clinical testing. Allele origin: germline.
Comment: This sequence change replaces phenylalanine, which is neutral and non-polar, with leucine, which is neutral and non-polar, at codon 63 of the SCN1A protein (p.Phe63Leu). This variant is not present in population databases (gnomAD no frequency). This missense change has been observed in individual(s) with severe myoclonic epilepsy of infancy (PMID: 20729507). ClinVar contains an entry for this variant (Variation ID: 68513). Invitae Evidence Modeling of protein sequence and biophysical properties (such as structural, functional, and spatial information, amino acid conservation, physicochemical variation, residue mobility, and thermodynamic stability) has been performed for this missense variant. However, the output from this modeling did not meet the statistical confidence thresholds required to predict the impact of this variant on SCN1A protein function. In summary, the available evidence is currently insufficient to determine the role of this variant in disease. Therefore, it has been classified as a Variant of Uncertain Significance.

UniProtKB/Swiss-Prot
No classification provided. Condition: Severe myoclonic epilepsy in infancy. Review status: no classification provided. Collection method: not provided. Allele origin: unknown. Not counted in ClinVar's aggregate classification.

Literature cited by the submitters: PubMed 20729507 (cited by Labcorp Genetics (formerly Invitae), Labcorp).

NM_001165963.4(SCN1A):c.187T>C (p.Phe63Leu)

Gene: SCN1A (sodium voltage-gated channel alpha subunit 1; minus strand). Cytogenetic location: 2q24.3.
Variant type: single nucleotide variant.
Coding change: c.187T>C on transcript NM_001165963.4 (MANE Select); coding-DNA position 187, T replaced by C.
Protein change: p.Phe63Leu; replaces phenylalanine 63 with leucine.
Molecular consequence: missense variant. On other transcripts: 5 prime UTR variant (1), non-coding transcript variant (1).
Genome position (GRCh38, 1-based): chr2:166,073,435, A>G on the plus strand (T>C on the coding strand, the complement: SCN1A is on the minus strand). VCF-style: chr2-166073435-A-G. GRCh37 (hg19) VCF-style: chr2-166929945-A-G.
Other names: c.187T>C, p.Phe63Leu (NM_001165964.3, NM_001202435.3, NM_001353948.2 and 10 more transcripts); c.-2239T>C (NM_001353961.2); short protein forms F63L.
Identifiers: ClinVar variation 68513 (VCV000068513.3), dbSNP rs121917907, ClinGen allele CA284883.